The following is an entry in ClinVar:

NM_001371623.1(TCOF1):c.1298C>G (p.Ala433Gly)

Gene: TCOF1 (treacle ribosome biogenesis factor 1; plus strand). Cytogenetic location: 5q32.
Variant type: single nucleotide variant.
Coding change: c.1298C>G on transcript NM_001371623.1 (MANE Select); coding-DNA position 1298, C replaced by G.
Protein change: p.Ala433Gly; replaces alanine 433 with glycine.
Molecular consequence: missense variant.
Genome position (GRCh38, 1-based): chr5:150,374,973, C>G. VCF-style: chr5-150374973-C-G. GRCh37 (hg19) VCF-style: chr5-149754536-C-G.
Other names: c.1067C>G, p.Ala356Gly (NM_000356.4, NM_001135245.2); c.1298C>G, p.Ala433Gly (NM_001008657.3, NM_001135243.2, NM_001135244.2 and 1 more transcripts); short protein forms A356G, A433G.
Identifiers: ClinVar variation 1309426 (VCV001309426.2), dbSNP rs375265976, ClinGen allele CA361745209.

ClinVar aggregate classification (germline): Uncertain significance (1 of 4 stars; one submission).

gnomAD v4.1: 2 of 1,613,646 alleles (0.00012%); highest among the groups gnomAD compares: East Asian, 0.0022%; no homozygotes.

Submission:

GeneDx
Classification: Uncertain significance. Last evaluated: 2019-10-18. Review status: criteria provided, single submitter. Criteria: GeneDx Variant Classification Process June 2021. Collection method: clinical testing. Allele origin: germline. Affected: yes.
Comment: Not observed in large population cohorts (Lek et al., 2016); In silico analysis, which includes protein predictors and evolutionary conservation, supports that this variant does not alter protein structure/function; Has not been previously published as pathogenic or benign to our knowledge